The following is an entry in ClinVar:

NM_000057.4(BLM):c.682T>C (p.Ser228Pro)

Gene: BLM (BLM RecQ like helicase; plus strand). Cytogenetic location: 15q26.1.
Variant type: single nucleotide variant.
Coding change: c.682T>C on transcript NM_000057.4 (MANE Select); coding-DNA position 682, T replaced by C.
Protein change: p.Ser228Pro; replaces serine 228 with proline.
Molecular consequence: missense variant. On other transcripts: 5 prime UTR variant (1).
Genome position (GRCh38, 1-based): chr15:90,749,950, T>C. VCF-style: chr15-90749950-T-C. GRCh37 (hg19) VCF-style: chr15-91293180-T-C.
Other names: c.682T>C, p.Ser228Pro (NM_001287246.2, NM_001287247.2); c.-610T>C (NM_001287248.2); short protein forms S228P.
Identifiers: ClinVar variation 3224876 (VCV003224876.1), dbSNP rs2505394234, ClinGen allele CA393841329.

ClinVar aggregate classification (germline): Uncertain significance (1 of 4 stars; one submission).

Conditions:
Hereditary cancer-predisposing syndrome. Also called: Neoplastic Syndromes, Hereditary; Tumor predisposition; Hereditary neoplastic syndrome; Hereditary Cancer Syndrome. Identifiers: Orphanet 140162, MedGen C0027672, MeSH D009386, MONDO:0015356.

Allele frequency attached by ClinVar (database versions not stated): gnomAD exomes below 0.00001.
gnomAD v4.1: 1 of 1,614,204 alleles (0.000062%); highest among the groups gnomAD compares: East Asian, 0.0022%; no homozygotes.

Submission:

Ambry Genetics
Classification: Uncertain significance for Hereditary cancer-predisposing syndrome. Last evaluated: 2023-12-23. Review status: criteria provided, single submitter. Criteria: Ambry Variant Classification Scheme 2023. Collection method: clinical testing. Allele origin: germline.
Comment: The p.S228P variant (also known as c.682T>C), located in coding exon 2 of the BLM gene, results from a T to C substitution at nucleotide position 682. The serine at codon 228 is replaced by proline, an amino acid with similar properties. This amino acid position is conserved. In addition, this alteration is predicted to be tolerated by in silico analysis. Since supporting evidence is limited at this time, the clinical significance of this alteration remains unclear.